The following is an entry in ClinVar:

ClinVar aggregate classification (germline): Likely benign (0 of 4 stars; one submission).

Conditions:
PTPN11-related disorder. Also called: PTPN11-Related Disorders.

Submission:

PreventionGenetics, part of Exact Sciences
Classification: Likely benign for PTPN11-related condition. Last evaluated: 2024-01-05. Review status: no assertion criteria provided. Collection method: clinical testing. Allele origin: germline.
Comment: This variant is classified as likely benign based on ACMG/AMP sequence variant interpretation guidelines (Richards et al. 2015 PMID: 25741868, with internal and published modifications).

NM_002834.5(PTPN11):c.15-3A>C

Gene: PTPN11 (protein tyrosine phosphatase non-receptor type 11; plus strand). Cytogenetic location: 12q24.13.
Variant type: single nucleotide variant.
Coding change: c.15-3A>C on transcript NM_002834.5 (MANE Select); 3 bases into the intron before coding-DNA position 15, A replaced by C.
Molecular consequence: intron variant.
Genome position (GRCh38, 1-based): chr12:112,446,273, A>C. VCF-style: chr12-112446273-A-C. GRCh37 (hg19) VCF-style: chr12-112884077-A-C.
Other names: c.15-3A>C (NM_001330437.2, NM_001374625.1, NM_080601.3).
Identifiers: ClinVar variation 3032947 (VCV003032947.2), dbSNP rs768240009, ClinGen allele CA2740097575.